The following is an entry in ClinVar:

NM_022455.5(NSD1):c.5046T>G (p.Leu1682=)

Gene: NSD1 (nuclear receptor binding SET domain protein 1; plus strand). Cytogenetic location: 5q35.3.
Variant type: single nucleotide variant.
Coding change: c.5046T>G on transcript NM_022455.5 (MANE Select); coding-DNA position 5046, T replaced by G.
Protein change: p.Leu1682=; no amino-acid change (leucine 1682 retained).
Molecular consequence: synonymous variant.
Genome position (GRCh38, 1-based): chr5:177,260,068, T>G. VCF-style: chr5-177260068-T-G. GRCh37 (hg19) VCF-style: chr5-176687069-T-G.
Other names: c.5046T>G, p.Leu1682= (NM_001409302.1, NM_001409303.1, NM_001409301.1); c.4626T>G, p.Leu1542= (NM_001409304.1); c.4293T>G, p.Leu1431= (NM_001409305.1); c.4284T>G, p.Leu1428= (NM_001409306.1, NM_001409307.1); c.4173T>G, p.Leu1391= (NM_001409308.1, NM_001409309.1, NM_172349.5 and 1 more transcripts).
Identifiers: ClinVar variation 2656111 (VCV002656111.24), dbSNP rs2480679155, ClinGen allele CA447726332.

ClinVar aggregate classification (germline): Likely benign (1 of 4 stars; one submission).

Allele frequency attached by ClinVar (database versions not stated): gnomAD exomes below 0.00001.
gnomAD v4.1: 2 of 1,614,220 alleles (0.00012%); highest among the groups gnomAD compares: Middle Eastern, 0.033%; no homozygotes.

Submission:

CeGaT Center for Human Genetics Tuebingen
Classification: Likely benign. Last evaluated: 2023-02-01. Review status: criteria provided, single submitter. Criteria: CeGaT Center For Human Genetics Tuebingen Variant Classification Criteria Version 2. Collection method: clinical testing. Allele origin: germline. Affected: yes. Observed: 1 variant allele.
Comment: NSD1: PM2:Supporting, BP4, BP7